The following is an entry in ClinVar:

ClinVar aggregate classification (germline): Likely pathogenic (1 of 4 stars; one submission).

Conditions:
Hereditary breast ovarian cancer syndrome. Also called: Hereditary breast and/or ovarian cancer syndrome; Hereditary breast and ovarian cancer syndrome (HBOC); Breast and ovarian cancer; Hereditary breast and ovarian cancer; BRCA1- and BRCA2-Associated Hereditary Breast and Ovarian Cancer; Hereditary breast and ovarian cancer syndrome. Identifiers: Orphanet 145, MedGen C0677776, MeSH D061325, MONDO:0003582. Disease mechanism: loss of function.

Submission:

Labcorp Genetics (formerly Invitae), Labcorp
Classification: Likely pathogenic for Hereditary breast ovarian cancer syndrome. Last evaluated: 2022-10-25. Review status: criteria provided, single submitter. Criteria: Invitae Variant Classification Sherloc (09022015). Collection method: clinical testing. Allele origin: germline.
Comment: This variant results in a copy number gain of the genomic region encompassing exon(s) 3 of the BRCA1 gene. While the exact position of this variant cannot be determined from the data, sub-genic copy number gains are generally in tandem (PMID: 25640679). This variant is predicted to be in-frame, and likely preserves the integrity of the reading frame. A similar copy number variant has been observed in individual(s) with breast cancer (PMID: 20451485). If in tandem, this variant disrupts the RING domain of the BRCA1 protein, which is responsible for interaction with BARD1 and BAP1 (PMID: 25652403, 20029420). While functional studies have not been performed to directly test the effect of this variant on BRCA1 protein function, this suggests that disruption of this region of the protein is causative of disease. In summary, the currently available evidence indicates that the variant is pathogenic, but additional data are needed to prove that conclusively. Therefore, this variant has been classified as Likely Pathogenic.

Literature cited by the submitters: PubMed 25640679; PubMed 20451485; PubMed 25652403; PubMed 20029420.

NC_000017.11:g.(?_43115706)_(43115799_?)dup

Gene: BRCA1 (BRCA1 DNA repair associated; minus strand). Cytogenetic location: 17q21.31.
Variant type: Duplication.
Identifiers: ClinVar variation 832413 (VCV000832413.2).